The following is an entry in ClinVar:

NM_147686.4(TRAF3IP2):c.395C>G (p.Ser132Ter)

Genes: TRAF3IP2 (TRAF3 interacting protein 2; minus strand), TRAF3IP2-AS1 (TRAF3IP2 antisense RNA 1; plus strand), LOC114803478 (TRAF3IP2 eExon liver enhancer; plus strand). Cytogenetic location: 6q21.
Variant type: single nucleotide variant.
Coding change: c.395C>G on transcript NM_147686.4 (MANE Select); coding-DNA position 395, C replaced by G.
Protein change: p.Ser132Ter; replaces serine 132 with a stop codon.
Molecular consequence: nonsense.
Genome position (GRCh38, 1-based): chr6:111,591,692, G>C on the plus strand (C>G on the coding strand, the complement: TRAF3IP2 is on the minus strand). VCF-style: chr6-111591692-G-C. GRCh37 (hg19) VCF-style: chr6-111912895-G-C.
Other names: c.395C>G, p.Ser132Ter (NM_001164281.3); c.422C>G, p.Ser141Ter (NM_147200.3); short protein forms S132*, S141*.
Identifiers: ClinVar variation 4808700 (VCV004808700.1).

ClinVar aggregate classification (germline): Pathogenic (1 of 4 stars; one submission).

Conditions:
Candidiasis, familial, 8 (CANDF8). Identifiers: Orphanet 1334, MedGen C3714992, MONDO:0014230, OMIM 615527.

Submission:

Labcorp Genetics (formerly Invitae), Labcorp
Classification: Pathogenic for Candidiasis, familial, 8. Last evaluated: 2025-11-23. Review status: criteria provided, single submitter. Criteria: Invitae Variant Classification Sherloc (09022015). Collection method: clinical testing. Allele origin: germline.
Comment: This sequence change creates a premature translational stop signal (p.Ser132*) in the TRAF3IP2 gene. It is expected to result in an absent or disrupted protein product. Loss-of-function variants in TRAF3IP2 are known to be pathogenic (PMID: 24120361). This variant is present in population databases (no rsID available, gnomAD 0.0009%). This variant has not been reported in the literature in individuals affected with TRAF3IP2-related conditions. For these reasons, this variant has been classified as Pathogenic.

Literature cited by the submitters: PubMed 24120361.